The following is an entry in ClinVar:

NM_172201.2(KCNE2):c.190A>G (p.Ile64Val)

Genes: KCNE2 (potassium voltage-gated channel subfamily E regulatory subunit 2; plus strand), LOC105372791 (uncharacterized LOC105372791; minus strand). Cytogenetic location: 21q22.11.
Variant type: single nucleotide variant.
Coding change: c.190A>G on transcript NM_172201.2 (MANE Select); coding-DNA position 190, A replaced by G.
Protein change: p.Ile64Val; replaces isoleucine 64 with valine.
Molecular consequence: missense variant.
Genome position (GRCh38, 1-based): chr21:34,370,668, A>G. VCF-style: chr21-34370668-A-G. GRCh37 (hg19) VCF-style: chr21-35742967-A-G.
Other names: short protein forms I64V.
Identifiers: ClinVar variation 471499 (VCV000471499.9), dbSNP rs1555837082, ClinGen allele CA410196609.
Genomic context (GRCh38, chr21:34,370,668, plus strand): 5'-GAGAACTTCTACTATGTCATCCTGTACCTCATGGTGATGATTGGAATGTTCTCTTTCATC[A>G]TCGTGGCCATCCTGGTGAGCACTGTGAAATCCAAGAGACGGGAACACTCCAATGACCCCT-3'
Protein context (NP_751951.1, residues 54-74): MVMIGMFSFI[Ile64Val]VAILVSTVKS

ClinVar aggregate classification (germline): Conflicting classifications of pathogenicity. Review status: criteria provided, conflicting classifications (1 of 4 stars). 2 submissions from 2 submitters: Uncertain significance (1); Likely benign (1). Last evaluated 2022-08-31.

Conditions:
Cardiovascular phenotype. Identifiers: MedGen CN230736.
Long QT syndrome 6 (LQT6). Identifiers: Orphanet 101016, Orphanet 768, MedGen C3150953, MONDO:0013370, OMIM 613693.

Submissions (2):

Ambry Genetics
Classification: Likely benign for Cardiovascular phenotype. Last evaluated: 2022-08-31. Review status: criteria provided, single submitter. Criteria: Ambry Variant Classification Scheme 2023. Collection method: clinical testing. Allele origin: germline.

Labcorp Genetics (formerly Invitae), Labcorp
Classification: Uncertain significance for Long QT syndrome 6. Last evaluated: 2021-08-31. Review status: criteria provided, single submitter. Criteria: Invitae Variant Classification Sherloc (09022015). Collection method: clinical testing. Allele origin: germline.
Comment: This sequence change replaces isoleucine with valine at codon 64 of the KCNE2 protein (p.Ile64Val). The isoleucine residue is highly conserved and there is a small physicochemical difference between isoleucine and valine. This variant is not present in population databases (ExAC no frequency). This variant has not been reported in the literature in individuals affected with KCNE2-related conditions. Algorithms developed to predict the effect of missense changes on protein structure and function output the following: SIFT: "Tolerated"; PolyPhen-2: "Benign"; Align-GVGD: "Class C0". The valine amino acid residue is found in multiple mammalian species, which suggests that this missense change does not adversely affect protein function. In summary, the available evidence is currently insufficient to determine the role of this variant in disease. Therefore, it has been classified as a Variant of Uncertain Significance.

Literature cited by the submitters: PubMed 26220970 (cited by Ambry Genetics).